The following is an entry in ClinVar:

ClinVar aggregate classification (germline): Likely pathogenic (1 of 4 stars; one submission).

Conditions:
Dilated cardiomyopathy 1G (CMD1G). Identifiers: Orphanet 154, MedGen C1858763, MONDO:0011400, OMIM 604145.
Autosomal recessive limb-girdle muscular dystrophy type 2J (LGMDR10). Also called: Limb-girdle muscular dystrophy, type 2J; MUSCULAR DYSTROPHY, LIMB-GIRDLE, AUTOSOMAL RECESSIVE 10. Identifiers: Orphanet 140922, MedGen C1837342, MONDO:0012127, OMIM 608807.

Submission:

Labcorp Genetics (formerly Invitae), Labcorp
Classification: Likely pathogenic for Dilated cardiomyopathy 1G; Autosomal recessive limb-girdle muscular dystrophy type 2J. Last evaluated: 2025-03-19. Review status: criteria provided, single submitter. Criteria: Invitae Variant Classification Sherloc (09022015). Collection method: clinical testing. Allele origin: germline.
Comment: This sequence change creates a premature translational stop signal (p.Asn15128Thrfs*49) in the TTN gene. While this is not anticipated to result in nonsense mediated decay, it is expected to create a truncated TTN protein. This variant is not present in population databases (gnomAD no frequency). This variant has not been observed in the literature in individuals with autosomal recessive TTN-related conditions. This variant has been reported in individual(s) with autosomal dominant dilated cardiomyopathy (internal data); however, the role of the variant in this condition is currently unclear. ClinVar contains an entry for this variant (Variation ID: 2937292). This variant is located in the I band of TTN (PMID: 25589632). Truncating variants in this region have been reported in individuals affected with autosomal recessive centronuclear myopathy (PMID: 23975875, internal data). Truncating variants in this region have also been identified in individuals affected with autosomal dominant dilated cardiomyopathy and/or cardio-related conditions (PMID: 27869827, 32964742, internal data). In summary, the currently available evidence indicates that the variant is pathogenic, but additional data are needed to prove that conclusively. Therefore, this variant has been classified as Likely Pathogenic.

Literature cited by the submitters: PubMed 25589632; PubMed 23975875; PubMed 27869827; PubMed 32964742.

NM_001267550.2(TTN):c.45383del (p.Asn15128fs)

Genes: TTN (titin; minus strand), LOC126806427 (BRD4-independent group 4 enhancer GRCh37_chr2:179485777-179486976; plus strand). Cytogenetic location: 2q31.2.
Variant type: Deletion.
Coding change: c.45383del on transcript NM_001267550.2 (MANE Select); coding-DNA position 45383, one base deleted (A; older notation c.45383delA).
Protein change: p.Asn15128fs; shifts the reading frame from asparagine 15128.
Molecular consequence: frameshift variant.
Genome position (GRCh38, 1-based): chr2:178,621,335, T deleted on the plus strand (A on the coding strand, the reverse complement: TTN is on the minus strand); the first of 4 consecutive T bases (chr2:178,621,335-178,621,338); deleting any one gives the same sequence. VCF-style (leftmost placement, unchanged base first): chr2-178621334-GT-G. GRCh37 (hg19) VCF-style: chr2-179486061-GT-G.
Other names: c.40460del, p.Asn13487fs (NM_001256850.1); c.18188del, p.Asn6063fs (NM_003319.4); c.37679del, p.Asn12560fs (NM_133378.4); c.18563del, p.Asn6188fs (NM_133432.3); c.18764del, p.Asn6255fs (NM_133437.4); short protein forms N6188fs, N12560fs, N13487fs, N15128fs, N6063fs, N6255fs.
Identifiers: ClinVar variation 2937292 (VCV002937292.3), dbSNP rs2471041398, ClinGen allele CA430275945.
Genomic context (GRCh38, chr2:178,621,334, plus strand): 5'-AAAGCTTTCTTTTGATATAGAGCAGACAAATTCAGCCTTTTCTCCTTCAAGTATTTCAAG[GT>G]TTTGAGGCTTTGAGATAAATTCAGCAGCCAGTTCTGGGAAGAAAAAGTTACAAGATATTA-3'